The following is an entry in ClinVar:

NM_001276270.2(MBD4):c.1184-11T>C

Gene: MBD4 (methyl-CpG binding domain 4, DNA glycosylase; minus strand). Cytogenetic location: 3q21.3.
Variant type: single nucleotide variant.
Coding change: c.1184-11T>C on transcript NM_001276270.2 (MANE Select); 11 bases into the intron before coding-DNA position 1184, T replaced by C.
Molecular consequence: intron variant.
Genome position (GRCh38, 1-based): chr3:129,434,147, A>G on the plus strand (T>C on the coding strand, the complement: MBD4 is on the minus strand). VCF-style: chr3-129434147-A-G. GRCh37 (hg19) VCF-style: chr3-129152990-A-G.
Other names: c.248-11T>C (NM_001276273.2); c.1202-11T>C (NM_001276272.2, NM_003925.3, NM_001276271.2).
Identifiers: ClinVar variation 4780952 (VCV004780952.1).

ClinVar aggregate classification (germline): Uncertain significance (1 of 4 stars; one submission).

gnomAD v4.1: 6 of 1,605,010 alleles (0.00037%); highest among the groups gnomAD compares: East Asian, 0.011%; no homozygotes.

Submission:

Labcorp Genetics (formerly Invitae), Labcorp
Classification: Uncertain significance. Last evaluated: 2025-05-21. Review status: criteria provided, single submitter. Criteria: Invitae Variant Classification Sherloc (09022015). Collection method: clinical testing. Allele origin: germline.
Comment: This sequence change falls in intron 3 of the MBD4 gene. It does not directly change the encoded amino acid sequence of the MBD4 protein. This variant is present in population databases (rs776199077, gnomAD 0.006%). This variant has not been reported in the literature in individuals affected with MBD4-related conditions. Algorithms developed to predict the effect of sequence changes on RNA splicing suggest that this variant may disrupt the consensus splice site. In summary, the available evidence is currently insufficient to determine the role of this variant in disease. Therefore, it has been classified as a Variant of Uncertain Significance.